The following is an entry in ClinVar:

ClinVar aggregate classification (germline): not provided (0 of 4 stars; one submission).

Conditions:
Normal pregnancy. Identifiers: MedGen C0232989.

Submission:

Institute of Molecular and Cell Biology, University of Tartu
No classification provided. Condition: Normal pregnancy. Review status: no classification provided. Collection method: case-control. Allele origin: unknown. Affected: yes. Study: Kasak2014.
Comment: The study aimed to determine the contribution of copy number variants in the genetic etiology of normal and complicated pregnancies. The samples represented (i) maternal blood DNA drawn from healthy pregnant women during 1st or 2nd trimester and (ii) maternal and paternal blood DNA drawn at term pregnancy cases representing normal and complicated gestations (severe preeclampsia, PE; gestational diabetes, GD; small-for-gestational age newborn, SGA; large-for-gestational age newborn, LGA). We performed CNV calling based on genome-wide genotyping dataset (Illumina HumanOmniExpress-24-v1 BeadChip) by applying three algorithms, QuantiSNP, GADA (Genome Alteration Detection Algorithm) and CNstream in parallel. The acquired CNV calls were merged with HD-CNV (Hotspot Detector for Copy Number Variants) program and only the CNVs predicted by at least two programs, were considered in subsequent analysis.

Literature cited by the submitters: PubMed 25666259.

NC_000010.11:g.133403671_133556028dup

Genes: CYP2E1 (cytochrome P450 family 2 subfamily E member 1; plus strand), MTG1 (mitochondrial ribosome associated GTPase 1; plus strand), SCART1 (scavenger receptor family member expressed on T cells 1; plus strand), SPRN (shadow of prion protein; minus strand), SYCE1 (synaptonemal complex central element protein 1; minus strand) and 8 more. Cytogenetic location: 10q26.3.
Variant type: Duplication.
Identifiers: ClinVar variation 157190 (VCV000157190.3).